The following is an entry in ClinVar:

NM_078480.3(PUF60):c.190C>T (p.Gln64Ter)

Gene: PUF60 (poly(U) binding splicing factor 60; minus strand). Cytogenetic location: 8q24.3.
Variant type: single nucleotide variant.
Coding change: c.190C>T on transcript NM_078480.3 (MANE Select); coding-DNA position 190, C replaced by T.
Protein change: p.Gln64Ter; replaces glutamine 64 with a stop codon.
Molecular consequence: nonsense.
Genome position (GRCh38, 1-based): chr8:143,821,835, G>A on the plus strand (C>T on the coding strand, the complement: PUF60 is on the minus strand). VCF-style: chr8-143821835-G-A. GRCh37 (hg19) VCF-style: chr8-144904005-G-A.
Other names: c.61C>T, p.Gln21Ter (NM_001136033.3, NM_001271100.2); c.187C>T, p.Gln63Ter (NM_001271096.2, NM_001271098.2); c.103C>T, p.Gln35Ter (NM_001271097.2, NM_001271099.2); c.301C>T, p.Gln101Ter (NM_001362895.2, NM_001362896.2, NM_001362897.2); c.190C>T, p.Gln64Ter (NM_014281.5); c.190C>T (NM_078480.2); short protein forms Q101*, Q21*, Q35*, Q63*, Q64*.
Identifiers: ClinVar variation 4796567 (VCV004796567.2).

ClinVar aggregate classification (germline): Likely pathogenic. Review status: criteria provided, multiple submitters, no conflicts (2 of 4 stars). 2 submissions from 2 submitters: Likely pathogenic (2). Last evaluated 2025-02-25.

Conditions:
PUF60-related disorder. Also called: PUF60-related condition.
8q24.3 microdeletion syndrome. Also called: CHROMOSOME 8q24.3 DELETION SYNDROME; Verheij syndrome. Identifiers: Orphanet 508488, MedGen C3810023, MONDO:0014263, OMIM 615583.

Submissions (2):

PreventionGenetics, part of Exact Sciences
Classification: Likely pathogenic for PUF60-related condition. Last evaluated: 2025-02-25. Review status: criteria provided, single submitter. Criteria: ACMG Guidelines, 2015. Collection method: clinical testing. Allele origin: germline.
Comment: The PUF60 c.190C>T variant is predicted to result in premature protein termination (p.Gln64*). To our knowledge, this variant has not been reported in the literature or in a large population database (gnomAD), indicating this variant is rare. Nonsense variants in PUF60 are expected to be pathogenic. This variant is interpreted as likely pathogenic.

Juno Genomics, Hangzhou Juno Genomics, Inc
Classification: Likely pathogenic for 8q24.3 microdeletion syndrome. Review status: criteria provided, single submitter. Criteria: ACMG Guidelines, 2015. Collection method: clinical testing. Allele origin: germline. Affected: yes.
Comment: Absent from controls (or at extremely low frequency if recessive) in Genome Aggregation Database, Exome Sequencing Project, 1000 Genomes Project, or Exome Aggregation Consortium.;Null variant in a gene where loss of function (LOF) is a known mechanism of disease.